The following is an entry in ClinVar:

ClinVar aggregate classification (germline): Uncertain significance. Review status: criteria provided, multiple submitters, no conflicts (2 of 4 stars). 3 submissions from 3 submitters: Uncertain significance (3). Last evaluated 2025-09-10.

Conditions:
Autosomal recessive limb-girdle muscular dystrophy type 2J (LGMDR10). Also called: MUSCULAR DYSTROPHY, LIMB-GIRDLE, AUTOSOMAL RECESSIVE 10; Limb-girdle muscular dystrophy, type 2J. Identifiers: Orphanet 140922, MedGen C1837342, MONDO:0012127, OMIM 608807.
Hypertrophic cardiomyopathy 9. Also called: Familial hypertrophic cardiomyopathy 9. Identifiers: MedGen C1861065, MONDO:0013412, OMIM 613765.
Myopathy, myofibrillar, 9, with early respiratory failure (MFM9). Also called: EDSTROM MYOPATHY; MYOPATHY, PROXIMAL, WITH EARLY RESPIRATORY MUSCLE INVOLVEMENT; Myopathy, distal, with early respiratory failure, autosomal dominant; Hereditary myopathy with early respiratory failure. Identifiers: Orphanet 178464, Orphanet 34521, MedGen C1863599, MONDO:0011362, OMIM 603689.
Tibial muscular dystrophy (TMD). Also called: Tibial muscular dystrophy, tardive; UDD MYOPATHY; Udd Distal Myopathy – Tibial Muscular Dystrophy. Identifiers: Orphanet 609, MedGen C1838244, MONDO:0010870, OMIM 600334.
Early-onset myopathy with fatal cardiomyopathy (CMYO5). Also called: CONGENITAL MYOPATHY 5 WITH CARDIOMYOPATHY; Salih Myopathy. Identifiers: Orphanet 289377, MedGen C2673677, MONDO:0012714, OMIM 611705. Disease mechanism: loss of function.
Dilated cardiomyopathy 1G (CMD1G). Identifiers: Orphanet 154, MedGen C1858763, MONDO:0011400, OMIM 604145.
Cardiovascular phenotype. Identifiers: MedGen CN230736.

Submissions (3):

Ambry Genetics
Classification: Uncertain significance for Cardiovascular phenotype. Last evaluated: 2025-09-10. Review status: criteria provided, single submitter. Criteria: Ambry Variant Classification Scheme 2023. Collection method: clinical testing. Allele origin: germline.
Comment: The c.75721_75723delAAG variant (also known as p.K25241del) is located in coding exon 185 of the TTN gene. This variant results from an in-frame AAG deletion at nucleotide positions 75721 to 75723. This results in the in-frame deletion of a lysine at codon 25241. This amino acid position is highly conserved in available vertebrate species. In addition, this variant is predicted to be deleterious by in silico analysis (Choi Y et al. PLoS ONE. 2012; 7(10):e46688). Based on the available evidence, the clinical significance of this variant remains unclear.

Labcorp Genetics (formerly Invitae), Labcorp
Classification: Uncertain significance for Dilated cardiomyopathy 1G; Autosomal recessive limb-girdle muscular dystrophy type 2J. Last evaluated: 2025-07-27. Review status: criteria provided, single submitter. Criteria: Invitae Variant Classification Sherloc (09022015). Collection method: clinical testing. Allele origin: germline.
Comment: This variant, c.102916_102918del, results in the deletion of 1 amino acid(s) of the TTN protein (p.Lys34306del), but otherwise preserves the integrity of the reading frame. The frequency data for this variant in the population databases is considered unreliable, as metrics indicate poor data quality at this position in the gnomAD database. This variant has not been reported in the literature in individuals affected with TTN-related conditions. ClinVar contains an entry for this variant (Variation ID: 855721). Experimental studies and prediction algorithms are not available or were not evaluated, and the functional significance of this variant is currently unknown. This variant is located in the M band of TTN (PMID: 25589632). Non-truncating variants in this region may be relevant for neuromuscular disorders, but have not been definitively shown to cause cardiomyopathy (PMID: 23975875). In summary, the available evidence is currently insufficient to determine the role of this variant in disease. Therefore, it has been classified as a Variant of Uncertain Significance.

Fulgent Genetics
Classification: Uncertain significance for Tibial muscular dystrophy; Myopathy, myofibrillar, 9, with early respiratory failure; Dilated cardiomyopathy 1G; Autosomal recessive limb-girdle muscular dystrophy type 2J; Early-onset myopathy with fatal cardiomyopathy; Hypertrophic cardiomyopathy 9. Last evaluated: 2022-01-04. Review status: criteria provided, single submitter. Criteria: ACMG Guidelines, 2015. Collection method: clinical testing. Allele origin: unknown.

Literature cited by the submitters: PubMed 25589632 (cited by Labcorp Genetics (formerly Invitae), Labcorp); PubMed 23975875 (cited by Labcorp Genetics (formerly Invitae), Labcorp).

NM_001267550.2(TTN):c.102913AAG[1] (p.Lys34306del)

Genes: TTN (titin; minus strand), TTN-AS1 (TTN antisense RNA 1; plus strand). Cytogenetic location: 2q31.2.
Variant type: Microsatellite.
Coding change: c.102913AAG[1] on transcript NM_001267550.2 (MANE Select); one copy of the 3-base unit AAG starting at c.102913; the reference has two copies in a row; one copy, 3 bases deleted; also written c.102916_102918del.
Protein change: p.Lys34306del; deletes lysine 34306.
Molecular consequence: inframe deletion.
Genome position (GRCh38, 1-based): chr2:178,533,697-178,533,699, CTT deleted on the plus strand (AAG on the coding strand, the reverse complement: TTN is on the minus strand); deleting any 3 consecutive bases within chr2:178,533,697-178,533,702 gives the same sequence; the position shown is the placement nearest the transcript's 3' end. VCF-style (leftmost placement, unchanged base first): chr2-178533696-ACTT-A. GRCh37 (hg19) VCF-style: chr2-179398423-ACTT-A.
Other names: c.102916_102918del (NM_001267550.2); c.75721_75723delAAG (NM_003319.4); c.97990AAG[1], p.Lys32665del (NM_001256850.1); c.75718AAG[1], p.Lys25241del (NM_003319.4); c.95209AAG[1], p.Lys31738del (NM_133378.4); c.76093AAG[1], p.Lys25366del (NM_133432.3); c.76294AAG[1], p.Lys25433del (NM_133437.4); short protein forms K25433del, K34306del, K31738del, K25241del, K25366del, K32665del.
Identifiers: ClinVar variation 855721 (VCV000855721.11), dbSNP rs762798421, ClinGen allele CA1985687.
Genomic context (GRCh38, chr2:178,533,696, plus strand): 5'-CATCTGTAGTGACACTGTTGATTGTTAATTGGTAAAGACCCTTGTCTGACTCAAATGTGT[ACTT>A]CTTGTCATTGTCACCTGGTTTGATTTTCTGACCTGATTTATACCATGTTACATGAGGCTC-3'